The following is an entry in ClinVar:

NM_005045.4(RELN):c.3412G>A (p.Gly1138Arg)

Gene: RELN (reelin; minus strand). Cytogenetic location: 7q22.1.
Variant type: single nucleotide variant.
Coding change: c.3412G>A on transcript NM_005045.4 (MANE Select); coding-DNA position 3412, G replaced by A.
Protein change: p.Gly1138Arg; replaces glycine 1138 with arginine.
Molecular consequence: missense variant.
Genome position (GRCh38, 1-based): chr7:103,596,583, C>T on the plus strand (G>A on the coding strand, the complement: RELN is on the minus strand). VCF-style: chr7-103596583-C-T. GRCh37 (hg19) VCF-style: chr7-103237030-C-T.
Other names: c.3412G>A, p.Gly1138Arg (NM_173054.3); short protein forms G1138R.
Identifiers: ClinVar variation 1163010 (VCV001163010.12), dbSNP rs772114071, ClinGen allele CA4421766.

ClinVar aggregate classification (germline): Uncertain significance. Review status: criteria provided, multiple submitters, no conflicts (2 of 4 stars). 4 submissions from 4 submitters: Uncertain significance (4). Last evaluated 2023-10-04.

Conditions:
Familial temporal lobe epilepsy 7. Identifiers: Orphanet 101046, MedGen C4225327, MONDO:0014639, OMIM 616436.
Norman-Roberts syndrome (LIS2). Also called: Lissencephaly 2 (Norman-Roberts type). Identifiers: Orphanet 89844, MedGen C0796089, MONDO:0009760, OMIM 257320.

Allele frequency attached by ClinVar (database versions not stated): gnomAD 0.00001; TOPMed 0.00001; gnomAD exomes 0.00002; ExAC 0.00003.
gnomAD v4.1: 21 of 1,613,920 alleles (0.0013%); highest among the groups gnomAD compares: Middle Eastern, 0.049%; no homozygotes.

Submissions (4):

Labcorp Genetics (formerly Invitae), Labcorp
Classification: Uncertain significance for Familial temporal lobe epilepsy 7; Norman-Roberts syndrome. Last evaluated: 2023-10-04. Review status: criteria provided, single submitter. Criteria: Invitae Variant Classification Sherloc (09022015). Collection method: clinical testing. Allele origin: germline.
Comment: This sequence change replaces glycine, which is neutral and non-polar, with arginine, which is basic and polar, at codon 1138 of the RELN protein (p.Gly1138Arg). This variant is present in population databases (rs772114071, gnomAD 0.006%). This variant has not been reported in the literature in individuals affected with RELN-related conditions. ClinVar contains an entry for this variant (Variation ID: 1163010). Advanced modeling of protein sequence and biophysical properties (such as structural, functional, and spatial information, amino acid conservation, physicochemical variation, residue mobility, and thermodynamic stability) has been performed at Invitae for this missense variant, however the output from this modeling did not meet the statistical confidence thresholds required to predict the impact of this variant on RELN protein function. In summary, the available evidence is currently insufficient to determine the role of this variant in disease. Therefore, it has been classified as a Variant of Uncertain Significance.

Blueprint Genetics
Classification: Uncertain significance. Last evaluated: 2022-01-10. Review status: criteria provided, single submitter. Criteria: ACMG Guidelines, 2015. Collection method: clinical testing. Allele origin: germline.

Mayo Clinic Laboratories, Mayo Clinic
Classification: Uncertain significance. Last evaluated: 2019-05-26. Review status: criteria provided, single submitter. Criteria: ACMG Guidelines, 2015. Collection method: clinical testing. Allele origin: germline. Observed: 1 variant allele.

GeneDx
Classification: Uncertain significance. Last evaluated: 2019-04-30. Review status: criteria provided, single submitter. Criteria: GeneDx Variant Classification Process June 2021. Collection method: clinical testing. Allele origin: germline. Affected: yes.
Comment: Not observed at a significant frequency in large population cohorts (Lek et al., 2016); In silico analysis, which includes protein predictors and evolutionary conservation, supports a deleterious effect; Has not been previously published as pathogenic or benign to our knowledge